The following is an entry in ClinVar:

NM_001843.4(CNTN1):c.1229-204T>C

Gene: CNTN1 (contactin 1; plus strand). Cytogenetic location: 12q12.
Variant type: single nucleotide variant.
Coding change: c.1229-204T>C on transcript NM_001843.4 (MANE Select); 204 bases into the intron before coding-DNA position 1229, T replaced by C.
Molecular consequence: intron variant.
Genome position (GRCh38, 1-based): chr12:40,939,131, T>C. VCF-style: chr12-40939131-T-C. GRCh37 (hg19) VCF-style: chr12-41332933-T-C.
Other names: c.1229-204T>C (NM_001256063.2, NM_001256064.2); c.1196-204T>C (NM_175038.2).
Identifiers: ClinVar variation 679154 (VCV000679154.1), dbSNP rs12828796, ClinGen allele CA235402632.

ClinVar aggregate classification (germline): Likely benign (1 of 4 stars; one submission).

Allele frequency attached by ClinVar (database versions not stated): 1000 Genomes Project 0.02895; 1000 Genomes Project 30x 0.02936; gnomAD 0.03223 and 0.03280; TOPMed 0.03402.
gnomAD v4.1: 5,057 of 152,244 alleles (3.3%); highest among the groups gnomAD compares: Middle Eastern, 11%; 109 homozygotes.

Submission:

GeneDx
Classification: Likely benign. Last evaluated: 2018-06-19. Review status: criteria provided, single submitter. Criteria: GeneDx Variant Classification (06012015). Collection method: clinical testing. Allele origin: germline. Affected: yes.
Comment: This variant is considered likely benign or benign based on one or more of the following criteria: it is a conservative change, it occurs at a poorly conserved position in the protein, it is predicted to be benign by multiple in silico algorithms, and/or has population frequency not consistent with disease.